The following is an entry in ClinVar:

NM_001128225.3(SLC39A13):c.119G>A (p.Arg40Gln)

Gene: SLC39A13 (solute carrier family 39 member 13; plus strand). Cytogenetic location: 11p11.2.
Variant type: single nucleotide variant.
Coding change: c.119G>A on transcript NM_001128225.3 (MANE Select); coding-DNA position 119, G replaced by A.
Protein change: p.Arg40Gln; replaces arginine 40 with glutamine.
Molecular consequence: missense variant. On other transcripts: non-coding transcript variant (1).
Genome position (GRCh38, 1-based): chr11:47,410,213, G>A. VCF-style: chr11-47410213-G-A. GRCh37 (hg19) VCF-style: chr11-47431764-G-A.
Other names: p.Arg40Gln; c.119G>A, p.Arg40Gln (NM_001330245.2, NM_152264.5); short protein forms R40Q.
Identifiers: ClinVar variation 289730 (VCV000289730.54), dbSNP rs35741412, ClinGen allele CA5975670.

ClinVar aggregate classification (germline): Benign/Likely benign. Review status: criteria provided, multiple submitters, no conflicts (2 of 4 stars). 10 submissions from 9 submitters: Benign (8); Likely benign (2). Last evaluated 2026-09-01.

Conditions:
Ehlers-Danlos syndrome (EDS). Identifiers: Orphanet 98249, MedGen C0013720, MONDO:0020066.
Ehlers-Danlos syndrome, spondylodysplastic type, 3. Also called: Ehlers-Danlos syndrome, spondylocheirodysplastic type. Identifiers: Orphanet 157965, MedGen C2676510, MONDO:0012873, OMIM 612350.
Connective tissue disorder. Also called: Connective tissue disease. Identifiers: MedGen C0009782, MONDO:0003900.

Allele frequency attached by ClinVar (database versions not stated): 1000 Genomes Project 30x 0.00750; 1000 Genomes Project 0.00759; gnomAD 0.01204 and 0.01241; TOPMed 0.01271; gnomAD exomes 0.01324; ExAC 0.01472; ESP Exome Variant Server 0.01762.
gnomAD v4.1: 30,517 of 1,613,426 alleles (1.9%); highest among the groups gnomAD compares: Non-Finnish European, 2.4%; 370 homozygotes.

Submissions (10):

CeGaT Center for Human Genetics Tuebingen
Classification: Benign. Last evaluated: 2026-09-01. Review status: criteria provided, single submitter. Criteria: CeGaT Center For Human Genetics Tuebingen Variant Classification Criteria Version 2. Collection method: clinical testing. Allele origin: germline. Affected: yes. Observed: 69 variant alleles.
Comment: SLC39A13: BP4, BS1, BS2

Women's Health and Genetics/Laboratory Corporation of America, LabCorp
Classification: Likely benign. Last evaluated: 2026-04-06. Review status: criteria provided, single submitter. Criteria: LabCorp Variant Classification Summary - May 2015. Collection method: clinical testing. Allele origin: germline.

Labcorp Genetics (formerly Invitae), Labcorp
Classification: Benign for Ehlers-Danlos syndrome, spondylodysplastic type, 3. Last evaluated: 2026-02-04. Review status: criteria provided, single submitter. Criteria: Invitae Variant Classification Sherloc (09022015). Collection method: clinical testing. Allele origin: germline.

Blueprint Genetics
Classification: Likely benign. Last evaluated: 2024-11-25. Review status: criteria provided, single submitter. Criteria: ACMG Guidelines, 2015. Collection method: clinical testing. Allele origin: germline.

Genome Diagnostics Laboratory, The Hospital for Sick Children
Classification: Benign for Ehlers-Danlos syndrome. Last evaluated: 2022-07-16. Review status: criteria provided, single submitter. Criteria: ACMG Guidelines, 2015. Collection method: clinical testing. Allele origin: germline.

Mayo Clinic Laboratories, Mayo Clinic
Classification: Benign. Last evaluated: 2022-05-24. Review status: criteria provided, single submitter. Criteria: ACMG Guidelines, 2015. Collection method: clinical testing. Allele origin: germline. Observed: 194 variant alleles.
Comment: BS1, BS2, BP4

Genome Diagnostics Laboratory, The Hospital for Sick Children
Classification: Benign for Connective tissue disorder. Last evaluated: 2022-03-17. Review status: criteria provided, single submitter. Criteria: ACMG Guidelines, 2015. Collection method: clinical testing. Allele origin: germline.

GeneDx
Classification: Benign. Last evaluated: 2018-06-25. Review status: criteria provided, single submitter. Criteria: GeneDx Variant Classification Process June 2021. Collection method: clinical testing. Allele origin: germline. Affected: yes.
Comment: This variant is associated with the following publications: (PMID: 26091878, 27211562, 26925801)

Eurofins Ntd Llc (ga)
Classification: Benign. Last evaluated: 2016-09-06. Review status: criteria provided, single submitter. Criteria: EGL Classification Definitions 2015. Collection method: clinical testing. Allele origin: germline. Observed: 1 variant allele, 1 heterozygote.

Breakthrough Genomics
Classification: Benign. Review status: criteria provided, single submitter. Criteria: ACMG Guidelines, 2015. Collection method: not provided. Allele origin: germline. Inheritance: Autosomal recessive inheritance. Affected: yes.